The following is an entry in ClinVar:

ClinVar aggregate classification (germline): Uncertain significance (1 of 4 stars; one submission).

Conditions:
Neurodegeneration with brain iron accumulation 6 (NBIA6). Also called: COASY protein-associated neurodegeneration. Identifiers: Orphanet 397725, MedGen C4517377, MONDO:0014290, OMIM 615643.

Allele frequency attached by ClinVar (database versions not stated): TOPMed below 0.00001.
gnomAD v4.1: 4 of 1,613,482 alleles (0.00025%); highest among the groups gnomAD compares: Non-Finnish European, 0.00034%; no homozygotes.

Submission:

Labcorp Genetics (formerly Invitae), Labcorp
Classification: Uncertain significance for Neurodegeneration with brain iron accumulation 6. Last evaluated: 2024-10-28. Review status: criteria provided, single submitter. Criteria: Invitae Variant Classification Sherloc (09022015). Collection method: clinical testing. Allele origin: germline.
Comment: This sequence change replaces glutamic acid, which is acidic and polar, with aspartic acid, which is acidic and polar, at codon 327 of the COASY protein (p.Glu327Asp). This variant is not present in population databases (gnomAD no frequency). This variant has not been reported in the literature in individuals affected with COASY-related conditions. ClinVar contains an entry for this variant (Variation ID: 2146697). Invitae Evidence Modeling of protein sequence and biophysical properties (such as structural, functional, and spatial information, amino acid conservation, physicochemical variation, residue mobility, and thermodynamic stability) indicates that this missense variant is not expected to disrupt COASY protein function with a negative predictive value of 80%. In summary, the available evidence is currently insufficient to determine the role of this variant in disease. Therefore, it has been classified as a Variant of Uncertain Significance.

NM_025233.7(COASY):c.981A>T (p.Glu327Asp)

Gene: COASY (Coenzyme A synthase; plus strand). Cytogenetic location: 17q21.2.
Variant type: single nucleotide variant.
Coding change: c.981A>T on transcript NM_025233.7 (MANE Select); coding-DNA position 981, A replaced by T.
Protein change: p.Glu327Asp; replaces glutamic acid 327 with aspartic acid.
Molecular consequence: missense variant.
Genome position (GRCh38, 1-based): chr17:42,564,511, A>T. VCF-style: chr17-42564511-A-T. GRCh37 (hg19) VCF-style: chr17-40716529-A-T.
Other names: c.981A>T, p.Glu327Asp (NM_001042529.3); c.1068A>T, p.Glu356Asp (NM_001042532.4); short protein forms E327D, E356D.
Identifiers: ClinVar variation 2146697 (VCV002146697.3), dbSNP rs902304931, ClinGen allele CA290771847.